The following is an entry in ClinVar:

NM_001042492.3(NF1):c.7597A>T (p.Asn2533Tyr)

Gene: NF1 (neurofibromin 1; plus strand). Cytogenetic location: 17q11.2.
Variant type: single nucleotide variant.
Coding change: c.7597A>T on transcript NM_001042492.3 (MANE Select); coding-DNA position 7597, A replaced by T.
Protein change: p.Asn2533Tyr; replaces asparagine 2533 with tyrosine.
Molecular consequence: missense variant.
Genome position (GRCh38, 1-based): chr17:31,352,396, A>T. VCF-style: chr17-31352396-A-T. GRCh37 (hg19) VCF-style: chr17-29679414-A-T.
Other names: c.7534A>T, p.Asn2512Tyr (NM_000267.4); short protein forms N2512Y, N2533Y.
Identifiers: ClinVar variation 1376785 (VCV001376785.8), dbSNP rs2151577390, ClinGen allele CA399017833.

ClinVar aggregate classification (germline): Uncertain significance. Review status: criteria provided, multiple submitters, no conflicts (2 of 4 stars). 2 submissions from 2 submitters: Uncertain significance (2). Last evaluated 2021-08-23.

Conditions:
Cardiovascular phenotype. Identifiers: MedGen CN230736.
Hereditary cancer-predisposing syndrome. Also called: Tumor predisposition; Hereditary neoplastic syndrome; Neoplastic Syndromes, Hereditary; Hereditary Cancer Syndrome. Identifiers: Orphanet 140162, MedGen C0027672, MeSH D009386, MONDO:0015356.
Neurofibromatosis, type 1 (NF1). Also called: VON RECKLINGHAUSEN DISEASE; Peripheral type neurofibromatosis; Neurofibromatosis, type I; NEUROFIBROMATOSIS, TYPE I, SOMATIC. Identifiers: Orphanet 636, MedGen C0027831, MONDO:0018975, OMIM 162200. Disease mechanism: loss of function.

gnomAD v4.1: 1 of 1,613,030 alleles (0.000062%); highest among the groups gnomAD compares: Non-Finnish European, 0.000085%; no homozygotes.

Submissions (2):

Labcorp Genetics (formerly Invitae), Labcorp
Classification: Uncertain significance for Neurofibromatosis, type 1. Last evaluated: 2021-08-23. Review status: criteria provided, single submitter. Criteria: Invitae Variant Classification Sherloc (09022015). Collection method: clinical testing. Allele origin: germline.
Comment: In summary, the available evidence is currently insufficient to determine the role of this variant in disease. Therefore, it has been classified as a Variant of Uncertain Significance. Advanced modeling of protein sequence and biophysical properties (such as structural, functional, and spatial information, amino acid conservation, physicochemical variation, residue mobility, and thermodynamic stability) performed at Invitae indicates that this missense variant is expected to disrupt NF1 protein function. This variant has not been reported in the literature in individuals affected with NF1-related conditions. This variant is not present in population databases (ExAC no frequency). This sequence change replaces asparagine with tyrosine at codon 2512 of the NF1 protein (p.Asn2512Tyr). The asparagine residue is moderately conserved and there is a large physicochemical difference between asparagine and tyrosine.

Ambry Genetics
Classification: Uncertain significance for Cardiovascular phenotype; Hereditary cancer-predisposing syndrome. Last evaluated: 2020-06-05. Review status: criteria provided, single submitter. Criteria: Ambry Variant Classification Scheme 2023. Collection method: clinical testing. Allele origin: germline.
Comment: The p.N2512Y variant (also known as c.7534A>T), located in coding exon 50 of the NF1 gene, results from an A to T substitution at nucleotide position 7534. The asparagine at codon 2512 is replaced by tyrosine, an amino acid with dissimilar properties. This amino acid position is highly conserved in available vertebrate species. In addition, the in silico prediction for this alteration is inconclusive. Since supporting evidence is limited at this time, the clinical significance of this alteration remains unclear.